The following is an entry in ClinVar:

NM_006017.3(PROM1):c.2501T>C (p.Ile834Thr)

Gene: PROM1 (prominin 1; minus strand). Cytogenetic location: 4p15.32.
Variant type: single nucleotide variant.
Coding change: c.2501T>C on transcript NM_006017.3 (MANE Select); coding-DNA position 2501, T replaced by C.
Protein change: p.Ile834Thr; replaces isoleucine 834 with threonine.
Molecular consequence: missense variant. On other transcripts: intron variant (4).
Genome position (GRCh38, 1-based): chr4:15,979,893, A>G on the plus strand (T>C on the coding strand, the complement: PROM1 is on the minus strand). VCF-style: chr4-15979893-A-G. GRCh37 (hg19) VCF-style: chr4-15981516-A-G.
Other names: c.2474T>C, p.Ile825Thr (NM_001145847.2, NM_001145848.2, NM_001145851.2 and 1 more transcripts); c.2501T>C, p.Ile834Thr (NM_001145849.2); c.2462+529T>C (NM_001145852.2, NM_001371408.1, NM_001371407.1); c.2489+529T>C (NM_001145850.2); short protein forms I834T, I825T.
Identifiers: ClinVar variation 2778353 (VCV002778353.3), dbSNP rs1425845647, ClinGen allele CA356426153.

ClinVar aggregate classification (germline): Uncertain significance (1 of 4 stars; one submission).

Allele frequency attached by ClinVar (database versions not stated): gnomAD exomes below 0.00001; gnomAD 0.00001.
gnomAD v4.1: 4 of 1,451,282 alleles (0.00028%); highest among the groups gnomAD compares: African/African-American, 0.0014%; no homozygotes.

Submission:

Labcorp Genetics (formerly Invitae), Labcorp
Classification: Uncertain significance. Last evaluated: 2024-07-22. Review status: criteria provided, single submitter. Criteria: Invitae Variant Classification Sherloc (09022015). Collection method: clinical testing. Allele origin: germline.
Comment: This sequence change replaces isoleucine, which is neutral and non-polar, with threonine, which is neutral and polar, at codon 834 of the PROM1 protein (p.Ile834Thr). The frequency data for this variant in the population databases is considered unreliable, as metrics indicate poor data quality at this position in the gnomAD database. This variant has not been reported in the literature in individuals affected with PROM1-related conditions. An algorithm developed to predict the effect of missense changes on protein structure and function (PolyPhen-2) suggests that this variant is likely to be tolerated. In summary, the available evidence is currently insufficient to determine the role of this variant in disease. Therefore, it has been classified as a Variant of Uncertain Significance.